The following is an entry in ClinVar:

NM_006648.4(WNK2):c.2177C>A (p.Pro726His)

Gene: WNK2 (WNK lysine deficient protein kinase 2; plus strand). Cytogenetic location: 9q22.31.
Variant type: single nucleotide variant.
Coding change: c.2177C>A on transcript NM_006648.4 (MANE Select); coding-DNA position 2177, C replaced by A.
Protein change: p.Pro726His; replaces proline 726 with histidine.
Molecular consequence: missense variant.
Genome position (GRCh38, 1-based): chr9:93,256,441, C>A. VCF-style: chr9-93256441-C-A. GRCh37 (hg19) VCF-style: chr9-96018723-C-A.
Other names: c.2177C>A, p.Pro726His (NM_001282394.3); short protein forms P726H.
Identifiers: ClinVar variation 3816973 (VCV003816973.1).

ClinVar aggregate classification (germline): Uncertain significance (1 of 4 stars; one submission).

gnomAD v4.1: 5 of 1,528,806 alleles (0.00033%); highest among the groups gnomAD compares: Non-Finnish European, 0.00044%; no homozygotes.

Submission:

Ambry Genetics
Classification: Uncertain significance. Last evaluated: 2025-02-02. Review status: criteria provided, single submitter. Criteria: Ambry Variant Classification Scheme 2023. Collection method: clinical testing. Allele origin: germline.
Comment: The p.P726H variant (also known as c.2177C>A), located in coding exon 9 of the WNK2 gene, results from a C to A substitution at nucleotide position 2177. The proline at codon 726 is replaced by histidine, an amino acid with similar properties. This amino acid position is conserved. In addition, this alteration is predicted to be tolerated by in silico analysis. Based on the available evidence, the clinical significance of this variant remains unclear.